The following is an entry in ClinVar:

ClinVar aggregate classification (germline): Uncertain significance. Review status: criteria provided, multiple submitters, no conflicts (2 of 4 stars). 3 submissions from 3 submitters: Uncertain significance (3). Last evaluated 2024-12-02.

Conditions:
Joubert syndrome 7 (JBTS7). Identifiers: Orphanet 220497, MedGen C1969053, MONDO:0012694, OMIM 611560.
COACH syndrome 3. Identifiers: MedGen C5436841, MONDO:0030862, OMIM 619113.
Meckel syndrome, type 5 (MKS5). Identifiers: Orphanet 564, MedGen C1969052, MONDO:0012695, OMIM 611561.
RPGRIP1L-related disorder. Also called: RPGRIP1L-related disorders; RPGRIP1L-related condition. Identifiers: MedGen CN239416.
Joubert syndrome. Also called: Familial aplasia of the vermis; JOUBERT-BOLTSHAUSER SYNDROME. Identifiers: Orphanet 475, MedGen C5979921, MONDO:0018772.
Meckel-Gruber syndrome. Also called: Dysencephalia splachnocystica; DYSENCEPHALIA SPLANCHNOCYSTICA; GRUBER SYNDROME. Identifiers: Orphanet 564, MedGen C0265215, MONDO:0018921.

Allele frequency attached by ClinVar (database versions not stated): ExAC 0.00001; gnomAD exomes 0.00001; TOPMed 0.00004.
gnomAD v4.1: 15 of 1,612,942 alleles (0.00093%); highest among the groups gnomAD compares: African/African-American, 0.017%; no homozygotes.

Submissions (3):

PreventionGenetics, part of Exact Sciences
Classification: Uncertain significance for RPGRIP1L-related condition. Last evaluated: 2024-12-02. Review status: criteria provided, single submitter. Criteria: ACMG Guidelines, 2015. Collection method: clinical testing. Allele origin: germline.
Comment: The RPGRIP1L c.971G>C variant is predicted to result in the amino acid substitution p.Cys324Ser. To our knowledge, this variant has not been reported in the literature. This variant is reported in 0.016% of alleles in individuals of African descent in gnomAD. At this time, the clinical significance of this variant is uncertain due to the absence of conclusive functional and genetic evidence.

Fulgent Genetics
Classification: Uncertain significance for Joubert syndrome 7; Meckel syndrome, type 5; COACH syndrome 3. Last evaluated: 2024-06-24. Review status: criteria provided, single submitter. Criteria: ACMG Guidelines, 2015. Collection method: clinical testing. Allele origin: germline.

Labcorp Genetics (formerly Invitae), Labcorp
Classification: Uncertain significance for Joubert syndrome; Meckel-Gruber syndrome. Last evaluated: 2022-07-05. Review status: criteria provided, single submitter. Criteria: Invitae Variant Classification Sherloc (09022015). Collection method: clinical testing. Allele origin: germline.
Comment: This sequence change replaces cysteine, which is neutral and slightly polar, with serine, which is neutral and polar, at codon 324 of the RPGRIP1L protein (p.Cys324Ser). This variant is present in population databases (rs745997546, gnomAD 0.01%). This variant has not been reported in the literature in individuals affected with RPGRIP1L-related conditions. Algorithms developed to predict the effect of missense changes on protein structure and function (SIFT, PolyPhen-2, Align-GVGD) all suggest that this variant is likely to be tolerated. In summary, the available evidence is currently insufficient to determine the role of this variant in disease. Therefore, it has been classified as a Variant of Uncertain Significance.

NM_015272.5(RPGRIP1L):c.971G>C (p.Cys324Ser)

Gene: RPGRIP1L (RPGRIP1 like; minus strand). Cytogenetic location: 16q12.2.
Variant type: single nucleotide variant.
Coding change: c.971G>C on transcript NM_015272.5 (MANE Select); coding-DNA position 971, G replaced by C.
Protein change: p.Cys324Ser; replaces cysteine 324 with serine.
Molecular consequence: missense variant.
Genome position (GRCh38, 1-based): chr16:53,672,928, C>G on the plus strand (G>C on the coding strand, the complement: RPGRIP1L is on the minus strand). VCF-style: chr16-53672928-C-G. GRCh37 (hg19) VCF-style: chr16-53706840-C-G.
Other names: c.971G>C, p.Cys324Ser (NM_001127897.4, NM_001308334.3, NM_001330538.2); c.971G>C (NM_015272.4); short protein forms C324S.
Identifiers: ClinVar variation 2076928 (VCV002076928.3), dbSNP rs745997546, ClinGen allele CA8057967.